The following is an entry in ClinVar:

ClinVar aggregate classification (germline): Pathogenic (1 of 4 stars; one submission).

Conditions:
Polycystic kidney disease, adult type (PKD1). Also called: Polycystic Kidney Disease 1, Autosomal Dominant; Polycystic kidney disease 1; Polycystic kidney disease 1, severe; POLYCYSTIC KIDNEY DISEASE, ADULT, TYPE I; Polycystic Kidney, Autosomal Dominant; POLYCYSTIC KIDNEY DISEASE 1 WITH OR WITHOUT POLYCYSTIC LIVER DISEASE. Identifiers: MedGen C3149841, MONDO:0008263, OMIM 173900.

Submission:

MVZ Medizinische Genetik Mainz
Classification: Pathogenic for Polycystic kidney disease, adult type. Last evaluated: 2024-06-17. Review status: criteria provided, single submitter. Criteria: UK Practice Guidelines For Variant Classification V4 01 2020. Collection method: clinical testing. Allele origin: germline. Inheritance: Autosomal dominant inheritance. Affected: yes. Observed: 1 variant allele.
Comment: ACMG Criteria: PVS1,PM2_SUP,PP4

NM_001009944.3(PKD1):c.5669_5682dup (p.Ser1895fs)

Gene: PKD1 (polycystin 1, transient receptor potential channel interacting; minus strand). Cytogenetic location: 16p13.3.
Variant type: Duplication.
Coding change: c.5669_5682dup on transcript NM_001009944.3 (MANE Select); coding-DNA positions 5669 to 5682, 14 bases duplicated (TGGTGCTGTGGGCC).
Protein change: p.Ser1895fs; shifts the reading frame from serine 1895.
Molecular consequence: frameshift variant.
Genome position (GRCh38, 1-based): chr16:2,109,485-2,109,498, GGCCCACAGCACCA duplicated on the plus strand (TGGTGCTGTGGGCC on the coding strand, the reverse complement: PKD1 is on the minus strand); duplicating any 14 consecutive bases within chr16:2,109,485-2,109,505 gives the same sequence; the c. name uses the placement nearest the transcript's 3' end. VCF-style (leftmost placement, unchanged base first): chr16-2109484-T-TGGCCCACAGCACCA. GRCh37 (hg19) VCF-style: chr16-2159485-T-TGGCCCACAGCACCA.
Other names: c.5669_5682dup, p.Ser1895fs (NM_000296.4); short protein forms S1895fs.
Identifiers: ClinVar variation 3256706 (VCV003256706.1).